The following is an entry in ClinVar:

ClinVar aggregate classification (germline): Pathogenic (1 of 4 stars; one submission).

Conditions:
Wilson disease (WND). Also called: Wilson's disease. Identifiers: Orphanet 905, MedGen C0019202, MONDO:0010200, OMIM 277900. Disease mechanism: loss of function.

gnomAD v4.1: 1 of 1,614,284 alleles (0.000062%); highest among the groups gnomAD compares: Non-Finnish European, 0.000085%; no homozygotes.

Submission:

Myriad Genetics, Inc.
Classification: Pathogenic for Wilson disease. Last evaluated: 2026-01-20. Review status: criteria provided, single submitter. Criteria: Myriad Autosomal Dominant, Autosomal Recessive and X-Linked Classification Criteria (2023). Collection method: clinical testing. Allele origin: unknown.
Comment: NM_000053.3(ATP7B):c.3724G>T(E1242*) is expected to be pathogenic in the context of Wilson disease. This variant is predicted to lead to an abnormal or absent protein product due to the creation of a premature termination codon in ATP7B, a gene where loss-of-function variants are known to be pathogenic. Please note: this variant was assessed in the context of healthy population screening.

NM_000053.4(ATP7B):c.3724G>T (p.Glu1242Ter)

Gene: ATP7B (ATPase copper transporting beta; minus strand). Cytogenetic location: 13q14.3.
Variant type: single nucleotide variant.
Coding change: c.3724G>T on transcript NM_000053.4 (MANE Select); coding-DNA position 3724, G replaced by T.
Protein change: p.Glu1242Ter; replaces glutamic acid 1242 with a stop codon.
Molecular consequence: nonsense. On other transcripts: intron variant (1).
Genome position (GRCh38, 1-based): chr13:51,937,655, C>A on the plus strand (G>T on the coding strand, the complement: ATP7B is on the minus strand). VCF-style: chr13-51937655-C-A. GRCh37 (hg19) VCF-style: chr13-52511791-C-A.
Other names: c.3103G>T, p.Glu1035Ter (NM_001005918.3); c.3391G>T, p.Glu1131Ter (NM_001243182.2); c.3490G>T, p.Glu1164Ter (NM_001330578.2, NM_001406527.1, NM_001406528.1); c.3472G>T, p.Glu1158Ter (NM_001330579.2, NM_001406531.1, NM_001406532.1); c.3724G>T, p.Glu1242Ter (NM_001406511.1, NM_001406512.1); c.3718G>T, p.Glu1240Ter (NM_001406513.1); c.3691G>T, p.Glu1231Ter (NM_001406514.1); c.3670G>T, p.Glu1224Ter (NM_001406515.1, NM_001406516.1); and 21 more; short protein forms E1116*, E1129*, E1131*, E1132*, E1146*, E1158*, E1162*, E1164*.
Identifiers: ClinVar variation 5015446 (VCV005015446.1).